The following is an entry in ClinVar:

ClinVar aggregate classification (germline): Uncertain significance. Review status: criteria provided, multiple submitters, no conflicts (2 of 4 stars). 3 submissions from 3 submitters: Uncertain significance (3). Last evaluated 2025-12-17.

Conditions:
Dyskeratosis congenita, autosomal dominant 6 (DKCA6). Identifiers: Orphanet 3322, MedGen C4225284, MONDO:0014690, OMIM 616553.
Inborn genetic diseases. Identifiers: MedGen C0950123, MeSH D030342.

Allele frequency attached by ClinVar (database versions not stated): gnomAD exomes below 0.00001; ExAC 0.00001; gnomAD 0.00001; TOPMed 0.00001.
gnomAD v4.1: 35 of 1,613,456 alleles (0.0022%); highest among the groups gnomAD compares: Non-Finnish European, 0.0029%; no homozygotes.

Submissions (3):

Labcorp Genetics (formerly Invitae), Labcorp
Classification: Uncertain significance for Dyskeratosis congenita, autosomal dominant 6. Last evaluated: 2025-12-17. Review status: criteria provided, single submitter. Criteria: Invitae Variant Classification Sherloc (09022015). Collection method: clinical testing. Allele origin: germline.
Comment: This sequence change replaces serine, which is neutral and polar, with tyrosine, which is neutral and polar, at codon 316 of the ACD protein (p.Ser316Tyr). This variant is present in population databases (rs752793753, gnomAD 0.0009%). This variant has not been reported in the literature in individuals affected with ACD-related conditions. ClinVar contains an entry for this variant (Variation ID: 1058474). Invitae Evidence Modeling of protein sequence and biophysical properties (such as structural, functional, and spatial information, amino acid conservation, physicochemical variation, residue mobility, and thermodynamic stability) indicates that this missense variant is not expected to disrupt ACD protein function with a negative predictive value of 80%. In summary, the available evidence is currently insufficient to determine the role of this variant in disease. Therefore, it has been classified as a Variant of Uncertain Significance.

Center for Genomic Medicine, Rigshospitalet, Copenhagen University Hospital
Classification: Uncertain significance. Last evaluated: 2025-03-04. Review status: criteria provided, single submitter. Criteria: ACMG Guidelines, 2015. Collection method: clinical testing. Allele origin: germline.
Comment: Classification criteria: BP4

Ambry Genetics
Classification: Uncertain significance for Inborn genetic diseases. Last evaluated: 2024-04-15. Review status: criteria provided, single submitter. Criteria: Ambry Variant Classification Scheme 2023. Collection method: clinical testing. Allele origin: germline.

NM_001082486.2(ACD):c.689C>A (p.Ser230Tyr)

Gene: ACD (ACD shelterin complex subunit and telomerase recruitment factor; minus strand). Cytogenetic location: 16q22.1.
Variant type: single nucleotide variant.
Coding change: c.689C>A on transcript NM_001082486.2 (MANE Select); coding-DNA position 689, C replaced by A.
Protein change: p.Ser230Tyr; replaces serine 230 with tyrosine.
Molecular consequence: missense variant.
Genome position (GRCh38, 1-based): chr16:67,658,773, G>T on the plus strand (C>A on the coding strand, the complement: ACD is on the minus strand). VCF-style: chr16-67658773-G-T. GRCh37 (hg19) VCF-style: chr16-67692676-G-T.
Other names: c.680C>A, p.Ser227Tyr (NM_022914.3); short protein forms S227Y, S230Y.
Identifiers: ClinVar variation 1058474 (VCV001058474.13), dbSNP rs752793753, ClinGen allele CA8114569.
Genomic context (GRCh38, chr16:67,658,773, plus strand): 5'-CCCTTACCCTGTGTCCTCTGACAGGGGCCTAGAGAGCTCAGAATTAGCTGGTCATTCTCA[G>T]AGATGCACAGCATTGAGCTGGGGACAGTGTACACAGCTTCTCCCTGTGGGACATGAACTC-3'
Protein context (NP_001075955.2, residues 220-240): YTVPSSMLCI[Ser230Tyr]ENDQLILSSL